The following is an entry in ClinVar:

NM_001042492.3(NF1):c.6772C>T (p.Arg2258Ter)

Gene: NF1 (neurofibromin 1; plus strand). Cytogenetic location: 17q11.2.
Variant type: single nucleotide variant.
Coding change: c.6772C>T on transcript NM_001042492.3 (MANE Select); coding-DNA position 6772, C replaced by T.
Protein change: p.Arg2258Ter; replaces arginine 2258 with a stop codon.
Molecular consequence: nonsense.
Genome position (GRCh38, 1-based): chr17:31,338,092, C>T. VCF-style: chr17-31338092-C-T. GRCh37 (hg19) VCF-style: chr17-29665110-C-T.
Other names: p.Arg2258*; c.6709C>T, p.Arg2237Ter (NM_000267.4); short protein forms R2237*, R2258*.
Identifiers: ClinVar variation 230389 (VCV000230389.79), dbSNP rs876658541, ClinGen allele CA10580388.

ClinVar aggregate classification (germline): Pathogenic. Review status: criteria provided, multiple submitters, no conflicts (2 of 4 stars). 35 submissions from 34 submitters: Pathogenic (30). 5 of the submissions do not count toward it. Last evaluated 2026-02-26.

Conditions:
Hereditary cancer-predisposing syndrome. Also called: Hereditary Cancer Syndrome; Tumor predisposition; Hereditary neoplastic syndrome; Neoplastic Syndromes, Hereditary. Identifiers: Orphanet 140162, MedGen C0027672, MeSH D009386, MONDO:0015356.
Neurofibromatosis-Noonan syndrome (NFNS). Also called: NEUROFIBROMATOSIS WITH NOONAN PHENOTYPE. Identifiers: Orphanet 638, MedGen C2931482, MONDO:0011035, OMIM 601321. Disease mechanism: loss of function.
Café-au-lait macules with pulmonary stenosis (WTSN). Also called: PULMONIC STENOSIS WITH CAFE-AU-LAIT SPOTS. Identifiers: MedGen C0553586, MONDO:0008672, OMIM 193520.
Neurofibromatosis, type 1 (NF1). Also called: Neurofibromatosis, type I; VON RECKLINGHAUSEN DISEASE; NEUROFIBROMATOSIS, TYPE I, SOMATIC; Peripheral type neurofibromatosis. Identifiers: Orphanet 636, MedGen C0027831, MONDO:0018975, OMIM 162200. Disease mechanism: loss of function.
Neurofibromatosis, familial spinal (FSNF). Identifiers: Orphanet 636, MedGen C1834235, MONDO:0008078, OMIM 162210. Disease mechanism: loss of function.
Juvenile myelomonocytic leukemia (JMML). Also called: LEUKEMIA, JUVENILE MYELOMONOCYTIC, SOMATIC. Identifiers: Orphanet 86834, MedGen C0349639, MONDO:0011908, OMIM 607785, HP:0012209.
NF1-related disorder. Also called: NF1-related condition. Identifiers: MedGen CN379171.
Tibial pseudarthrosis. Identifiers: MedGen C4024216, HP:0009736.
Cardiovascular phenotype. Identifiers: MedGen CN230736.

gnomAD v4.1: 2 of 1,613,886 alleles (0.00012%); highest among the groups gnomAD compares: Non-Finnish European, 0.00017%; no homozygotes.

Submissions 1 to 11 of 35:

NHS Central & South Genomic Laboratory Hub
Classification: Pathogenic for Neurofibromatosis type 1. Last evaluated: 2026-02-26. Review status: criteria provided, single submitter. Criteria: ACMG Guidelines, 2015. Collection method: clinical testing. Allele origin: germline. Affected: yes.

Labcorp Genetics (formerly Invitae), Labcorp
Classification: Pathogenic for Neurofibromatosis, type 1. Last evaluated: 2025-12-29. Review status: criteria provided, single submitter. Criteria: Invitae Variant Classification Sherloc (09022015). Collection method: clinical testing. Allele origin: germline.
Comment: This sequence change creates a premature translational stop signal (p.Arg2237*) in the NF1 gene. It is expected to result in an absent or disrupted protein product. Loss-of-function variants in NF1 are known to be pathogenic (PMID: 10712197, 23913538). This variant is not present in population databases (gnomAD no frequency). This premature translational stop signal has been observed in individual(s) with neurofibromatosis type 1 (PMID: 10712197, 10862084, 12552569, 16479075, 23913538, 26962827). Invitae Evidence Modeling of clinical and family history, age, sex, and reported ancestry of multiple individuals with this NF1 variant has been performed. This variant is expected to be pathogenic with a positive predictive value of at least 99%. This is a validated machine learning model that incorporates the clinical features of 1,785,918 individuals referred to our laboratory for NF1 testing. This variant is also known as R2258X. ClinVar contains an entry for this variant (Variation ID: 230389). RNA analysis performed to evaluate the impact of this premature translational stop signal on mRNA splicing indicates it does not significantly alter splicing (internal data). For these reasons, this variant has been classified as Pathogenic.

Department of Clinical Genetics, Copenhagen University Hospital, Rigshospitalet
Classification: Pathogenic for Neurofibromatosis, type 1. Last evaluated: 2025-10-13. Review status: criteria provided, single submitter. Criteria: ACMG Guidelines, 2015. Collection method: clinical testing. Allele origin: germline.
Comment: The following ACMG criteria has been used: PVS1, PM2_su, PP4_mod, PS4_st

Department of Molecular Genetics, Istishari Arab Hospital
Classification: Pathogenic for Neurofibromatosis, type 1. Last evaluated: 2025-09-23. Review status: criteria provided, single submitter. Criteria: ACMG Guidelines, 2015. Collection method: clinical testing. Allele origin: germline. Inheritance: Autosomal dominant inheritance. Affected: yes.
Comment: The NF1 variant c.6772C>T, p.Arg2258* creates a premature stop codon at position 2258. This stop-gained (nonsense) variant is predicted to result in a loss or disruption of normal protein function through nonsense-mediated decay (NMD) or protein truncation. This variant has previously been described as disease causing for Neurofibromatosis 1 (PMID: 31776437, 31533797, 31370276, and many others). It is classified as pathogenic (class 1) according to the recommendations of ACMG/AMP/ClinGen SVI guidelines.

Department of Human Genetics, Hannover Medical School
Classification: Pathogenic for Neurofibromatosis, type 1. Last evaluated: 2025-08-21. Review status: criteria provided, single submitter. Criteria: ACMG Guidelines, 2015. Collection method: clinical testing. Allele origin: germline. Inheritance: Autosomal dominant inheritance. Affected: yes.
Comment: PVS1, PM2_Supporting, PP4_Strong

CeGaT Center for Human Genetics Tuebingen
Classification: Pathogenic. Last evaluated: 2025-03-01. Review status: criteria provided, single submitter. Criteria: CeGaT Center For Human Genetics Tuebingen Variant Classification Criteria Version 2. Collection method: clinical testing. Allele origin: germline. Affected: yes. Observed: 2 variant alleles.
Comment: NF1: PVS1, PS2, PM2, PS4:Moderate

Laboratory of Genetics, Children's Clinical University Hospital Latvia
Classification: Pathogenic. Last evaluated: 2025-02-16. Review status: criteria provided, single submitter. Criteria: ACMG Guidelines, 2015. Collection method: clinical testing. Allele origin: germline. Affected: yes.

Ambry Genetics
Classification: Pathogenic for Cardiovascular phenotype; Hereditary cancer-predisposing syndrome. Last evaluated: 2024-12-04. Review status: criteria provided, single submitter. Criteria: Ambry Variant Classification Scheme 2023. Collection method: clinical testing. Allele origin: germline.
Comment: The c.6709C>T (p.R2237*) alteration, located in exon 44 (coding exon 44) of the NF1 gene, consists of a C to T substitution at nucleotide position 6709. This changes the amino acid from a arginine (R) to a stop codon at amino acid position 2237. This alteration is expected to result in loss of function by premature protein truncation or nonsense-mediated mRNA decay. This variant was not reported in population-based cohorts in the Genome Aggregation Database (gnomAD). This alteration has been described in multiple individuals meeting NIH diagnostic criteria for neurofibromatosis type 1 (NF1) (Fahsold, 2000; Xu, 2014; Zhu, 2016). This alteration is a recurring mutation due to its location in a CpG dinucleotide. Of note, this mutation is also designated as c.67772C>T and p.R2258* in published literature. Based on the available evidence, this alteration is classified as pathogenic.

Quest Diagnostics Nichols Institute San Juan Capistrano
Classification: Pathogenic. Last evaluated: 2024-10-29. Review status: criteria provided, single submitter. Criteria: Quest Diagnostics criteria. Collection method: clinical testing. Allele origin: unknown.
Comment: The NF1 c.6709C>T (p.Arg2237*) variant causes the premature termination of NF1 protein synthesis. This variant has been reported in the published literature in individuals with neurofibromatosis 1 (NF1) (PMID: 10712197 (2000), 10862084 (2000), 12552569 (2003), 23913538 (2013), 26962827 (2016), 31370276 (2019)). This variant has not been reported in large, multi-ethnic general populations (Genome Aggregation Database). Based on the available information, this variant is classified as pathogenic.

Dubai Health Genomic Medicine Center, Dubai Health
Classification: Pathogenic for Watson syndrome. Last evaluated: 2024-10-04. Review status: criteria provided, single submitter. Criteria: ACMG Guidelines, 2015. Collection method: research. Allele origin: germline. Affected: yes.
Comment: PVS1,PS2,PM2

ARUP Laboratories, Molecular Genetics and Genomics, ARUP Laboratories
Classification: Pathogenic. Last evaluated: 2024-10-02. Review status: criteria provided, single submitter. Criteria: ARUP Molecular Germline Variant Investigation Process 2024. Collection method: clinical testing. Allele origin: germline.
Comment: The NF1 c.6772C>T; p.Arg2258Ter variant (rs876658541, ClinVar Variation ID: 230389), also known as c.6709C>T p.Arg2237Ter for NM_000267.3, is reported in the literature in multiple individuals affected with neurofibromatosis type 1 (De Luca 2003, Fahsold 2000, Jeong 2006, Messiaen 2000, Sabbagh 2013, Zhu 2016). This variant is absent from the Genome Aggregation Database (v2.1.1), indicating it is not a common polymorphism. This variant induces an early termination codon and is predicted to result in a truncated protein or mRNA subject to nonsense-mediated decay. Based on available information, this variant is considered to be pathogenic. References: De Luca A et al. NF1 gene analysis based on DHPLC. Hum Mutat. 2003 Feb;21(2):171-2. PMID: 12552569 Fahsold R et al. Minor lesion mutational spectrum of the entire NF1 gene does not explain its high mutability but points to a functional domain upstream of the GAP-related domain. Am J Hum Genet. 2000 Mar;66(3):790-818. PMID: 10712197 Jeong SY et al. The spectrum of NF1 mutations in Korean patients with neurofibromatosis type 1. J Korean Med Sci. 2006 Feb;21(1):107-12. PMID: 16479075 Messiaen LM et al. Exhaustive mutation analysis of the NF1 gene allows identification of 95% of mutations and reveals a high frequency of unusual splicing defects. Hum Mutat. 2000;15(6):541-55. PMID: 10862084 Sabbagh A et al. NF1 molecular characterization and neurofibromatosis type I genotype-phenotype correlation: the French experience. Hum Mutat. 2013 Nov;34(11):1510-8. PMID: 23913538 Zhu L et al. Clinical and Molecular Characterization of NF1 Patients: Single-Center Experience of 32 Patients From China. Medicine (Baltimore). 2016 Mar;95(10):e3043. PMID: 26962827